The following is an entry in ClinVar:

NM_145870.3(GSTZ1):c.216+1G>A

Gene: GSTZ1 (glutathione S-transferase zeta 1; plus strand). Cytogenetic location: 14q24.3.
Variant type: single nucleotide variant.
Coding change: c.216+1G>A on transcript NM_145870.3 (MANE Select); the canonical splice donor site of the intron after coding-DNA position 216, G replaced by A.
Molecular consequence: splice donor variant.
Genome position (GRCh38, 1-based): chr14:77,327,553, G>A. VCF-style: chr14-77327553-G-A. GRCh37 (hg19) VCF-style: chr14-77793896-G-A.
Other names: c.51+1G>A (NM_001312660.2); c.216+1G>A (NM_145871.3); c.219+1G>A (NM_001363703.2).
Identifiers: ClinVar variation 2444067 (VCV002444067.1), dbSNP rs200122889, ClinGen allele CA390507759.

ClinVar aggregate classification (germline): Pathogenic (1 of 4 stars; one submission).

Conditions:
Maleylacetoacetate isomerase deficiency. Also called: MAAI DEFICIENCY; HYPERSUCCINYLACETONEMIA, MILD; BENIGN HYPERSUCCINYLACETONEMIA. Identifiers: MedGen C1291607, MONDO:0060527, OMIM 617596.

Submission:

3billion
Classification: Pathogenic for Maleylacetoacetate isomerase deficiency. Last evaluated: 2023-02-23. Review status: criteria provided, single submitter. Criteria: ACMG Guidelines, 2015. Collection method: clinical testing. Allele origin: unknown. Affected: yes.
Comment: The variant is not observed in the gnomAD v2.1.1 dataset. This variant was predicted to alter splicing and result in a loss or disruption of normal protein function. Multiple pathogenic loss-of-function variants are reported downstream of the variant. Therefore, this variant is classified as Pathogenic according to the recommendation of ACMG/AMP guideline.